The following is an entry in ClinVar:

NM_152703.5(SAMD9L):c.1457C>G (p.Thr486Ser)

Gene: SAMD9L (sterile alpha motif domain containing 9 like; minus strand). Cytogenetic location: 7q21.2.
Variant type: single nucleotide variant.
Coding change: c.1457C>G on transcript NM_152703.5 (MANE Select); coding-DNA position 1457, C replaced by G.
Protein change: p.Thr486Ser; replaces threonine 486 with serine.
Molecular consequence: missense variant.
Genome position (GRCh38, 1-based): chr7:93,134,515, G>C on the plus strand (C>G on the coding strand, the complement: SAMD9L is on the minus strand). VCF-style: chr7-93134515-G-C. GRCh37 (hg19) VCF-style: chr7-92763828-G-C.
Other names: c.1457C>G (NM_152703.2); c.1457C>G, p.Thr486Ser (NM_001303496.3, NM_001303497.3, NM_001303498.3 and 5 more transcripts); short protein forms T486S.
Identifiers: ClinVar variation 2695537 (VCV002695537.4), dbSNP rs2535428137, ClinGen allele CA368196466.

ClinVar aggregate classification (germline): Conflicting classifications of pathogenicity. Review status: criteria provided, conflicting classifications (1 of 4 stars). 2 submissions from 2 submitters: Uncertain significance (1); Likely benign (1). Last evaluated 2025-02-28.

Conditions:
Inborn genetic diseases. Identifiers: MedGen C0950123, MeSH D030342.

Submissions (2):

Ambry Genetics
Classification: Likely benign for Inborn genetic diseases. Last evaluated: 2025-02-28. Review status: criteria provided, single submitter. Criteria: Ambry Variant Classification Scheme 2023. Collection method: clinical testing. Allele origin: germline.

Labcorp Genetics (formerly Invitae), Labcorp
Classification: Uncertain significance. Last evaluated: 2023-11-13. Review status: criteria provided, single submitter. Criteria: Invitae Variant Classification Sherloc (09022015). Collection method: clinical testing. Allele origin: germline.
Comment: This sequence change replaces threonine, which is neutral and polar, with serine, which is neutral and polar, at codon 486 of the SAMD9L protein (p.Thr486Ser). This variant is not present in population databases (gnomAD no frequency). This variant has not been reported in the literature in individuals affected with SAMD9L-related conditions. Advanced modeling of protein sequence and biophysical properties (such as structural, functional, and spatial information, amino acid conservation, physicochemical variation, residue mobility, and thermodynamic stability) performed at Invitae indicates that this missense variant is not expected to disrupt SAMD9L protein function with a negative predictive value of 80%. In summary, the available evidence is currently insufficient to determine the role of this variant in disease. Therefore, it has been classified as a Variant of Uncertain Significance.